The following is an entry in ClinVar:

ClinVar aggregate classification (germline): Uncertain significance. Review status: criteria provided, multiple submitters, no conflicts (2 of 4 stars). 2 submissions from 2 submitters: Uncertain significance (2). Last evaluated 2026-05-27.

Conditions:
Brugada syndrome. Also called: Sudden unexpected nocturnal death syndrome; Sudden unexplained nocturnal death syndrome; Sudden Unexplained Death Syndrome; Sudden Unexplained Nocturnal Death Syndrome (SUNDS). Identifiers: Orphanet 130, MedGen C1142166, MONDO:0015263.
Cardiovascular phenotype. Identifiers: MedGen CN230736.

Allele frequency attached by ClinVar (database versions not stated): gnomAD exomes 0.00002; TOPMed below 0.00001.
gnomAD v4.1: 28 of 1,614,046 alleles (0.0017%); highest among the groups gnomAD compares: East Asian, 0.0022%; no homozygotes.

Submissions (2):

Ambry Genetics
Classification: Uncertain significance for Cardiovascular phenotype. Last evaluated: 2026-05-27. Review status: criteria provided, single submitter. Criteria: Ambry Variant Classification Scheme 2023. Collection method: clinical testing. Allele origin: germline.
Comment: The p.T1570A variant (also known as c.4708A>G), located in coding exon 27 of the SCN10A gene, results from an A to G substitution at nucleotide position 4708. The threonine at codon 1570 is replaced by alanine, an amino acid with similar properties. This amino acid position is highly conserved in available vertebrate species. In addition, this alteration is predicted to be deleterious by in silico analysis. The evidence for this gene-disease relationship is limited; therefore, the clinical significance of this variant is unclear.

Labcorp Genetics (formerly Invitae), Labcorp
Classification: Uncertain significance for Brugada syndrome. Last evaluated: 2025-11-21. Review status: criteria provided, single submitter. Criteria: Invitae Variant Classification Sherloc (09022015). Collection method: clinical testing. Allele origin: germline.
Comment: This sequence change replaces threonine, which is neutral and polar, with alanine, which is neutral and non-polar, at codon 1570 of the SCN10A protein (p.Thr1570Ala). This variant is present in population databases (no rsID available, gnomAD 0.0009%). This missense change has been observed in individual(s) with unexplained intrauterine death (PMID: 29874177). ClinVar contains an entry for this variant (Variation ID: 2082729). Invitae Evidence Modeling of protein sequence and biophysical properties (such as structural, functional, and spatial information, amino acid conservation, physicochemical variation, residue mobility, and thermodynamic stability) indicates that this missense variant is not expected to disrupt SCN10A protein function with a negative predictive value of 80%. In summary, the available evidence is currently insufficient to determine the role of this variant in disease. Therefore, it has been classified as a Variant of Uncertain Significance.

Literature cited by the submitters: PubMed 29874177 (cited by Labcorp Genetics (formerly Invitae), Labcorp).

NM_006514.4(SCN10A):c.4708A>G (p.Thr1570Ala)

Gene: SCN10A (sodium voltage-gated channel alpha subunit 10; minus strand). Cytogenetic location: 3p22.2.
Variant type: single nucleotide variant.
Coding change: c.4708A>G on transcript NM_006514.4 (MANE Select); coding-DNA position 4708, A replaced by G.
Protein change: p.Thr1570Ala; replaces threonine 1570 with alanine.
Molecular consequence: missense variant.
Genome position (GRCh38, 1-based): chr3:38,698,512, T>C on the plus strand (A>G on the coding strand, the complement: SCN10A is on the minus strand). VCF-style: chr3-38698512-T-C. GRCh37 (hg19) VCF-style: chr3-38740003-T-C.
Other names: c.4708A>G (NM_006514.2); c.4705A>G, p.Thr1569Ala (NM_001293306.2); c.4414A>G, p.Thr1472Ala (NM_001293307.2); short protein forms T1569A, T1472A, T1570A.
Identifiers: ClinVar variation 2082729 (VCV002082729.4), dbSNP rs1488286758, ClinGen allele CA352155890.